The following is an entry in ClinVar:

ClinVar aggregate classification (germline): Likely benign (1 of 4 stars; one submission).

Allele frequency attached by ClinVar (database versions not stated): 1000 Genomes Project 0.00060; 1000 Genomes Project 30x 0.00141; gnomAD exomes 0.00147; TOPMed 0.00410; gnomAD 0.00412.
gnomAD v4.1: 632 of 153,024 alleles (0.41%); highest among the groups gnomAD compares: Non-Finnish European, 0.72%; 5 homozygotes.

Submission:

CeGaT Center for Human Genetics Tuebingen
Classification: Likely benign. Last evaluated: 2024-08-01. Review status: criteria provided, single submitter. Criteria: CeGaT Center For Human Genetics Tuebingen Variant Classification Criteria Version 2. Collection method: clinical testing. Allele origin: germline. Affected: yes. Observed: 2 variant alleles.
Comment: MEG3: BS2

NC_000014.9:g.100858307C>T

Gene: MEG3 (maternally expressed 3; plus strand). Cytogenetic location: 14q32.2.
Variant type: single nucleotide variant.
Genome position: GRCh38 VCF-style: chr14-100858307-C-T. GRCh37 (hg19) VCF-style: chr14-101324644-C-T.
Identifiers: ClinVar variation 2644547 (VCV002644547.24), dbSNP rs11624207, ClinGen allele CA266875827.